The following is an entry in ClinVar:

NM_025179.4(PLXNA2):c.1384G>A (p.Gly462Ser)

Gene: PLXNA2 (plexin A2; minus strand). Cytogenetic location: 1q32.2.
Variant type: single nucleotide variant.
Coding change: c.1384G>A on transcript NM_025179.4 (MANE Select); coding-DNA position 1384, G replaced by A.
Protein change: p.Gly462Ser; replaces glycine 462 with serine.
Molecular consequence: missense variant.
Genome position (GRCh38, 1-based): chr1:208,142,451, C>T on the plus strand (G>A on the coding strand, the complement: PLXNA2 is on the minus strand). VCF-style: chr1-208142451-C-T. GRCh37 (hg19) VCF-style: chr1-208315796-C-T.
Other names: short protein forms G462S.
Identifiers: ClinVar variation 2628670 (VCV002628670.6), dbSNP rs147087031, ClinGen allele CA1373868.
Genomic context (GRCh38, chr1:208,142,451, plus strand): 5'-TGGGGCTTCCGTCCTTGAGCACAGAGACCATCTCGTACTGGACCCCACCATGGGGGGGAC[C>T]GTCGGCCCGAATCTGTATGAGAAACAAGGGTGTCCTCAGCATCTGCCCTCAGTATTCCCC-3'
Protein context (NP_079455.3, residues 452-472): SGKLKKIRAD[Gly462Ser]PPHGGVQYEM

ClinVar aggregate classification (germline): Uncertain significance. Review status: criteria provided, multiple submitters, no conflicts (2 of 4 stars). 3 submissions from 3 submitters: Uncertain significance (2). 1 of the submissions does not count toward it. Last evaluated 2025-11-07.

Conditions:
PLXNA2-related disorder. Also called: PLXNA2-related condition.

Allele frequency attached by ClinVar (database versions not stated): ESP Exome Variant Server 0.00008; gnomAD 0.00001; TOPMed 0.00002; ExAC 0.00004.
gnomAD v4.1: 46 of 1,608,370 alleles (0.0029%); highest among the groups gnomAD compares: Middle Eastern, 0.017%; no homozygotes.

Submissions (3):

Ambry Genetics
Classification: Uncertain significance. Last evaluated: 2025-11-07. Review status: criteria provided, single submitter. Criteria: Ambry Variant Classification Scheme 2023. Collection method: clinical testing. Allele origin: germline.

Labcorp Genetics (formerly Invitae), Labcorp
Classification: Uncertain significance. Last evaluated: 2025-06-12. Review status: criteria provided, single submitter. Criteria: Invitae Variant Classification Sherloc (09022015). Collection method: clinical testing. Allele origin: germline.
Comment: This sequence change replaces glycine, which is neutral and non-polar, with serine, which is neutral and polar, at codon 462 of the PLXNA2 protein (p.Gly462Ser). This variant is present in population databases (rs147087031, gnomAD 0.009%). This variant has not been reported in the literature in individuals affected with PLXNA2-related conditions. ClinVar contains an entry for this variant (Variation ID: 2628670). Invitae Evidence Modeling of protein sequence and biophysical properties (such as structural, functional, and spatial information, amino acid conservation, physicochemical variation, residue mobility, and thermodynamic stability) indicates that this missense variant is not expected to disrupt PLXNA2 protein function with a negative predictive value of 80%. In summary, the available evidence is currently insufficient to determine the role of this variant in disease. Therefore, it has been classified as a Variant of Uncertain Significance.

PreventionGenetics, part of Exact Sciences
Classification: Uncertain significance for PLXNA2-related condition. Last evaluated: 2024-09-16. Review status: no assertion criteria provided. Collection method: clinical testing. Allele origin: germline. Not counted in ClinVar's aggregate classification.
Comment: The PLXNA2 c.1384G>A variant is predicted to result in the amino acid substitution p.Gly462Ser. To our knowledge, this variant has not been reported in the literature. This variant is reported in 0.012% of alleles in individuals of Latino descent in gnomAD. At this time, the clinical significance of this variant is uncertain due to the absence of conclusive functional and genetic evidence.